The following is an entry in ClinVar:

ClinVar aggregate classification (germline): Likely benign. Review status: criteria provided, multiple submitters, no conflicts (2 of 4 stars). 2 submissions from 2 submitters: Likely benign (2). Last evaluated 2022-06-01.

Allele frequency attached by ClinVar (database versions not stated): 1000 Genomes Project 30x 0.00031; 1000 Genomes Project 0.00040; gnomAD 0.00092 and 0.00099; TOPMed 0.00107; ESP Exome Variant Server 0.00108.
gnomAD v4.1: 1,648 of 1,415,540 alleles (0.12%); highest among the groups gnomAD compares: Admixed American, 0.17%; 2 homozygotes.

Submissions (2):

CeGaT Center for Human Genetics Tuebingen
Classification: Likely benign. Last evaluated: 2022-06-01. Review status: criteria provided, single submitter. Criteria: CeGaT Center For Human Genetics Tuebingen Variant Classification Criteria Version 2. Collection method: clinical testing. Allele origin: germline. Affected: yes. Observed: 1 variant allele.
Comment: GSDMD: BP4, BP7

Labcorp Genetics (formerly Invitae), Labcorp
Classification: Likely benign. Last evaluated: 2018-04-04. Review status: criteria provided, single submitter. Criteria: Invitae Variant Classification Sherloc (09022015). Collection method: clinical testing. Allele origin: germline.

NM_024736.7(GSDMD):c.19C>A (p.Arg7=)

Gene: GSDMD (gasdermin D; plus strand). Cytogenetic location: 8q24.3.
Variant type: single nucleotide variant.
Coding change: c.19C>A on transcript NM_024736.7 (MANE Select); coding-DNA position 19, C replaced by A.
Protein change: p.Arg7=; no amino-acid change (arginine 7 retained).
Molecular consequence: synonymous variant.
Genome position (GRCh38, 1-based): chr8:143,559,354, C>A. VCF-style: chr8-143559354-C-A. GRCh37 (hg19) VCF-style: chr8-144641524-C-A.
Other names: c.19C>A, p.Arg7= (NM_001166237.1).
Identifiers: ClinVar variation 771165 (VCV000771165.27), dbSNP rs138605740, ClinGen allele CA4911060.